The following is an entry in ClinVar:

NM_014915.3(ANKRD26):c.1981G>A (p.Gly661Arg)

Gene: ANKRD26 (ankyrin repeat domain 26; minus strand). Cytogenetic location: 10p12.1.
Variant type: single nucleotide variant.
Coding change: c.1981G>A on transcript NM_014915.3 (MANE Select); coding-DNA position 1981, G replaced by A.
Protein change: p.Gly661Arg; replaces glycine 661 with arginine.
Molecular consequence: missense variant.
Genome position (GRCh38, 1-based): chr10:27,046,357, C>T on the plus strand (G>A on the coding strand, the complement: ANKRD26 is on the minus strand). VCF-style: chr10-27046357-C-T. GRCh37 (hg19) VCF-style: chr10-27335286-C-T.
Other names: c.1978G>A, p.Gly660Arg (NM_001256053.2); short protein forms G661R, G660R.
Identifiers: ClinVar variation 2957179 (VCV002957179.5), dbSNP rs1344687808, ClinGen allele CA376352973.

ClinVar aggregate classification (germline): Uncertain significance. Review status: criteria provided, multiple submitters, no conflicts (2 of 4 stars). 3 submissions from 3 submitters: Uncertain significance (3). Last evaluated 2025-07-09.

Conditions:
Inborn genetic diseases. Identifiers: MedGen C0950123, MeSH D030342.

Allele frequency attached by ClinVar (database versions not stated): TOPMed 0.00002.

Submissions (3):

Labcorp Genetics (formerly Invitae), Labcorp
Classification: Uncertain significance. Last evaluated: 2025-07-09. Review status: criteria provided, single submitter. Criteria: Invitae Variant Classification Sherloc (09022015). Collection method: clinical testing. Allele origin: germline.
Comment: This sequence change replaces glycine, which is neutral and non-polar, with arginine, which is basic and polar, at codon 661 of the ANKRD26 protein (p.Gly661Arg). This variant is not present in population databases (gnomAD no frequency). This variant has not been reported in the literature in individuals affected with ANKRD26-related conditions. ClinVar contains an entry for this variant (Variation ID: 2957179). An algorithm developed to predict the effect of missense changes on protein structure and function outputs the following: PolyPhen-2: "Benign". The arginine amino acid residue is found in multiple mammalian species, which suggests that this missense change does not adversely affect protein function. In summary, the available evidence is currently insufficient to determine the role of this variant in disease. Therefore, it has been classified as a Variant of Uncertain Significance.

Ambry Genetics
Classification: Uncertain significance for Inborn genetic diseases. Last evaluated: 2024-11-24. Review status: criteria provided, single submitter. Criteria: Ambry Variant Classification Scheme 2023. Collection method: clinical testing. Allele origin: germline.
Comment: The p.G661R variant (also known as c.1981G>A), located in coding exon 18 of the ANKRD26 gene, results from a G to A substitution at nucleotide position 1981. The glycine at codon 661 is replaced by arginine, an amino acid with dissimilar properties. This amino acid position is conserved. In addition, this alteration is predicted to be tolerated by in silico analysis. Based on the available evidence, the clinical significance of this variant remains unclear.

GeneDx
Classification: Uncertain significance. Last evaluated: 2023-12-18. Review status: criteria provided, single submitter. Criteria: GeneDx Variant Classification Process June 2021. Collection method: clinical testing. Allele origin: germline. Affected: yes.
Comment: Not observed at significant frequency in large population cohorts (gnomAD); In silico analysis supports that this missense variant does not alter protein structure/function; Has not been previously published as pathogenic or benign to our knowledge